The following is an entry in ClinVar:

ClinVar aggregate classification (germline): Benign/Likely benign. Review status: criteria provided, multiple submitters, no conflicts (2 of 4 stars). 6 submissions from 4 submitters: Benign (1); Likely benign (5). Last evaluated 2026-02-02.

Conditions:
Cardiomyopathy, familial restrictive, 3. Identifiers: Orphanet 75249, MedGen C2676271, MONDO:0012900, OMIM 612422.
Dilated cardiomyopathy 1D. Identifiers: Orphanet 154, Orphanet 54260, MedGen C1832243, MONDO:0011095, OMIM 601494.
Hypertrophic cardiomyopathy 2. Also called: TNNT2-Related Familial Hypertrophic Cardiomyopathy. Identifiers: MedGen C1861864, MONDO:0007266, OMIM 115195.

Allele frequency attached by ClinVar (database versions not stated): ExAC 0.00005; gnomAD exomes 0.00005 and 0.00011; gnomAD 0.00010 and 0.00011; TOPMed 0.00018.
gnomAD v4.1: 177 of 1,609,058 alleles (0.011%); highest among the groups gnomAD compares: East Asian, 0.02%; no homozygotes.

Submissions (6):

Labcorp Genetics (formerly Invitae), Labcorp
Classification: Likely benign for Cardiomyopathy, familial restrictive, 3; Hypertrophic cardiomyopathy 2; Dilated cardiomyopathy 1D. Last evaluated: 2026-02-02. Review status: criteria provided, single submitter. Criteria: Invitae Variant Classification Sherloc (09022015). Collection method: clinical testing. Allele origin: germline.

Blueprint Genetics
Classification: Likely benign. Last evaluated: 2024-08-26. Review status: criteria provided, single submitter. Criteria: ACMG Guidelines, 2015. Collection method: clinical testing. Allele origin: germline.

Genome-Nilou Lab
Classification: Likely benign for Dilated cardiomyopathy 1D. Last evaluated: 2023-04-11. Review status: criteria provided, single submitter. Criteria: ACMG Guidelines, 2015. Collection method: clinical testing. Allele origin: germline. Affected: no.

Genome-Nilou Lab
Classification: Likely benign for Cardiomyopathy, familial restrictive, 3. Last evaluated: 2023-04-11. Review status: criteria provided, single submitter. Criteria: ACMG Guidelines, 2015. Collection method: clinical testing. Allele origin: germline. Affected: no.

Genome-Nilou Lab
Classification: Likely benign for Hypertrophic cardiomyopathy 2. Last evaluated: 2023-04-11. Review status: criteria provided, single submitter. Criteria: ACMG Guidelines, 2015. Collection method: clinical testing. Allele origin: germline. Affected: no.

GeneDx
Classification: Benign. Last evaluated: 2015-04-20. Review status: criteria provided, single submitter. Criteria: GeneDx Variant Classification (06012015). Collection method: clinical testing. Allele origin: germline. Affected: yes.
Comment: This variant is considered likely benign or benign based on one or more of the following criteria: it is a conservative change, it occurs at a poorly conserved position in the protein, it is predicted to be benign by multiple in silico algorithms, and/or has population frequency not consistent with disease.

NM_001276345.2(TNNT2):c.852-19C>T

Gene: TNNT2 (troponin T2, cardiac type; minus strand). Cytogenetic location: 1q32.1.
Variant type: single nucleotide variant.
Coding change: c.852-19C>T on transcript NM_001276345.2 (MANE Select); 19 bases into the intron before coding-DNA position 852, C replaced by T.
Molecular consequence: intron variant.
Genome position (GRCh38, 1-based): chr1:201,359,274, G>A on the plus strand (C>T on the coding strand, the complement: TNNT2 is on the minus strand). VCF-style: chr1-201359274-G-A. GRCh37 (hg19) VCF-style: chr1-201328402-G-A.
Other names: c.804-19C>T (NM_001001432.3); c.813-19C>T (NM_001001431.3); c.822-19C>T (NM_001001430.3, NM_001276347.2); c.723-19C>T (NM_001276346.2); c.843-19C>T (NM_000364.4).
Identifiers: ClinVar variation 378742 (VCV000378742.10), dbSNP rs759855940, ClinGen allele CA089221.